The following is an entry in ClinVar:

NM_000455.5(STK11):c.558C>A (p.Thr186=)

Gene: STK11 (serine/threonine kinase 11; plus strand). Cytogenetic location: 19p13.3.
Variant type: single nucleotide variant.
Coding change: c.558C>A on transcript NM_000455.5 (MANE Select); coding-DNA position 558, C replaced by A.
Protein change: p.Thr186=; no amino-acid change (threonine 186 retained).
Molecular consequence: synonymous variant.
Genome position (GRCh38, 1-based): chr19:1,220,466, C>A. VCF-style: chr19-1220466-C-A. GRCh37 (hg19) VCF-style: chr19-1220465-C-A.
Identifiers: ClinVar variation 403770 (VCV000403770.11), dbSNP rs749563734, ClinGen allele CA048071.
Genomic context (GRCh38, chr19:1,220,466, plus strand): 5'-CCTGCATAGCCAGGGCATTGTGCACAAGGACATCAAGCCGGGGAACCTGCTGCTCACCAC[C>A]GGTGGCACCCTCAAAATCTCCGACCTGGGCGTGGCCGAGGTAGGCACGTGCTAGGGGGGG-3'
Protein context (NP_000446.1, residues 176-196): DIKPGNLLLT[Thr186=]GGTLKISDLG

ClinVar aggregate classification (germline): Conflicting classifications of pathogenicity. Review status: criteria provided, conflicting classifications (1 of 4 stars). 3 submissions from 3 submitters: Uncertain significance (1); Benign (1); Likely benign (1). Last evaluated 2025-03-26.

Conditions:
Hereditary cancer-predisposing syndrome. Also called: Tumor predisposition; Neoplastic Syndromes, Hereditary; Hereditary Cancer Syndrome; Hereditary neoplastic syndrome. Identifiers: Orphanet 140162, MedGen C0027672, MeSH D009386, MONDO:0015356.
Peutz-Jeghers syndrome (PJS). Also called: Peutz-Jeghers polyposis; Periorificial lentiginosis syndrome; POLYPOSIS, HAMARTOMATOUS INTESTINAL; POLYPS-AND-SPOTS SYNDROME. Identifiers: Orphanet 2869, MedGen C0031269, MeSH D010580, MONDO:0008280, OMIM 175200.

gnomAD v4.1: 2 of 1,607,014 alleles (0.00012%); highest among the groups gnomAD compares: Non-Finnish European, 0.00017%; no homozygotes.

Submissions (3):

Myriad Genetics, Inc.
Classification: Benign for Peutz-Jeghers syndrome. Last evaluated: 2025-03-26. Review status: criteria provided, single submitter. Criteria: Myriad Autosomal Dominant, Autosomal Recessive and X-Linked Classification Criteria (2023). Collection method: clinical testing. Allele origin: unknown.
Comment: This variant is considered benign. This variant is a silent/synonymous amino acid change and it is not expected to impact splicing.

Ambry Genetics
Classification: Likely benign for Hereditary cancer-predisposing syndrome. Last evaluated: 2025-01-14. Review status: criteria provided, single submitter. Criteria: Ambry Variant Classification Scheme 2023. Collection method: clinical testing. Allele origin: germline.

Labcorp Genetics (formerly Invitae), Labcorp
Classification: Uncertain significance for Peutz-Jeghers syndrome. Last evaluated: 2016-08-27. Review status: criteria provided, single submitter. Criteria: Invitae Variant Classification Sherloc (09022015). Collection method: clinical testing. Allele origin: germline.
Comment: In summary, this is a rare silent change with uncertain impact on splicing. It has been classified as a Variant of Uncertain Significance. This variant is present in population databases (rs749563734, ExAC 0.007%) but has not been reported in the literature in individuals with a STK11-related disease. Algorithms developed to predict the effect of sequence changes on RNA splicing suggest that this variant may alter RNA splicing, but this prediction has not been confirmed by published transcriptional studies. This sequence change affects codon 186 of the STK11 mRNA. It is a 'silent' change, meaning that it does not change the encoded amino acid sequence of the STK11 protein.